The following is an entry in ClinVar:

ClinVar aggregate classification (germline): Likely benign (0 of 4 stars; one submission).

Conditions:
SARDH-related disorder. Also called: SARDH-related condition.

Allele frequency attached by ClinVar (database versions not stated): gnomAD exomes 0.00002; ExAC 0.00014; gnomAD 0.00024; 1000 Genomes Project 30x 0.00031; ESP Exome Variant Server 0.00031; 1000 Genomes Project 0.00040.
gnomAD v4.1: 64 of 1,601,080 alleles (0.004%); highest among the groups gnomAD compares: African/African-American, 0.064%; no homozygotes.

Submission:

PreventionGenetics, part of Exact Sciences
Classification: Likely benign for SARDH-related condition. Last evaluated: 2019-04-29. Review status: no assertion criteria provided. Collection method: clinical testing. Allele origin: germline.
Comment: This variant is classified as likely benign based on ACMG/AMP sequence variant interpretation guidelines (Richards et al. 2015 PMID: 25741868, with internal and published modifications).

NM_001134707.2(SARDH):c.2598C>T (p.Ala866=)

Gene: SARDH (sarcosine dehydrogenase; minus strand). Cytogenetic location: 9q34.2.
Variant type: single nucleotide variant.
Coding change: c.2598C>T on transcript NM_001134707.2 (MANE Select); coding-DNA position 2598, C replaced by T.
Protein change: p.Ala866=; no amino-acid change (alanine 866 retained).
Molecular consequence: synonymous variant.
Genome position (GRCh38, 1-based): chr9:133,666,768, G>A on the plus strand (C>T on the coding strand, the complement: SARDH is on the minus strand). VCF-style: chr9-133666768-G-A. GRCh37 (hg19) VCF-style: chr9-136531890-G-A.
Other names: c.2598C>T, p.Ala866= (NM_007101.4).
Identifiers: ClinVar variation 3055870 (VCV003055870.2), dbSNP rs143963702, ClinGen allele CA5313817.
Genomic context (GRCh38, chr9:133,666,768, plus strand): 5'-TTAGCAGGGCCAGAGAAGGGGACTCACCGGCCCACCGCTGGGGTCATGGATGTAACCGTA[G>A]GCGATGGTCTTGTCGATGGCGAACCCAAAGTCAGCCCTCCGGACATGGCCCACCACTTGG-3'
Protein context (NP_001128179.1, residues 856-876): DFGFAIDKTI[Ala866=]YGYIHDPSGG